The following is an entry in ClinVar:

ClinVar aggregate classification (germline): Uncertain significance. Review status: criteria provided, multiple submitters, no conflicts (2 of 4 stars). 2 submissions from 2 submitters: Uncertain significance (2). Last evaluated 2024-06-05.

Conditions:
Hyperphosphatasia with intellectual disability syndrome 5 (GPIBD11). Also called: GLYCOSYLPHOSPHATIDYLINOSITOL BIOSYNTHESIS DEFECT 11. Identifiers: Orphanet 247262, MedGen C4014958, MONDO:0014457, OMIM 616025.
Inborn genetic diseases. Identifiers: MedGen C0950123, MeSH D030342.

Allele frequency attached by ClinVar (database versions not stated): ExAC 0.00001; 1000 Genomes Project 0.00020; TOPMed 0.00003; 1000 Genomes Project 30x 0.00031; gnomAD exomes below 0.00001; gnomAD 0.00001.
gnomAD v4.1: 3 of 1,614,102 alleles (0.00019%); highest among the groups gnomAD compares: African/African-American, 0.004%; no homozygotes.

Submissions (2):

Ambry Genetics
Classification: Uncertain significance for Inborn genetic diseases. Last evaluated: 2024-06-05. Review status: criteria provided, single submitter. Criteria: Ambry Variant Classification Scheme 2023. Collection method: clinical testing. Allele origin: germline.

Labcorp Genetics (formerly Invitae), Labcorp
Classification: Uncertain significance for Hyperphosphatasia with intellectual disability syndrome 5. Last evaluated: 2022-07-05. Review status: criteria provided, single submitter. Criteria: Invitae Variant Classification Sherloc (09022015). Collection method: clinical testing. Allele origin: germline.
Comment: This sequence change replaces arginine, which is basic and polar, with lysine, which is basic and polar, at codon 187 of the PIGW protein (p.Arg187Lys). This variant is present in population databases (rs544953074, gnomAD 0.007%). This variant has not been reported in the literature in individuals affected with PIGW-related conditions. ClinVar contains an entry for this variant (Variation ID: 1389453). Algorithms developed to predict the effect of missense changes on protein structure and function output the following: SIFT: "Tolerated"; PolyPhen-2: "Benign"; Align-GVGD: "Class C0". The lysine amino acid residue is found in multiple mammalian species, which suggests that this missense change does not adversely affect protein function. In summary, the available evidence is currently insufficient to determine the role of this variant in disease. Therefore, it has been classified as a Variant of Uncertain Significance.

NM_001346754.2(PIGW):c.560G>A (p.Arg187Lys)

Genes: MYO19 (myosin XIX; minus strand), PIGW (phosphatidylinositol glycan anchor biosynthesis class W; plus strand). Cytogenetic location: 17q12.
Variant type: single nucleotide variant.
Coding change: c.560G>A on transcript NM_001346754.2 (MANE Select); coding-DNA position 560, G replaced by A.
Protein change: p.Arg187Lys; replaces arginine 187 with lysine.
Molecular consequence: missense variant.
Genome position (GRCh38, 1-based): chr17:36,537,661, G>A. VCF-style: chr17-36537661-G-A. GRCh37 (hg19) VCF-style: chr17-34893510-G-A.
Other names: c.560G>A, p.Arg187Lys (NM_001346755.2, NM_178517.5); c.560G>A (NM_178517.3); short protein forms R187K.
Identifiers: ClinVar variation 1389453 (VCV001389453.4), dbSNP rs544953074, ClinGen allele CA290116028.